The following is an entry in ClinVar:

NM_003290.3(TPM4):c.322C>T (p.Gln108Ter)

Gene: TPM4 (tropomyosin 4; plus strand). Cytogenetic location: 19p13.12.
Variant type: single nucleotide variant.
Coding change: c.322C>T on transcript NM_003290.3 (MANE Select); coding-DNA position 322, C replaced by T.
Protein change: p.Gln108Ter; replaces glutamine 108 with a stop codon.
Molecular consequence: nonsense.
Genome position (GRCh38, 1-based): chr19:16,086,478, C>T. VCF-style: chr19-16086478-C-T. GRCh37 (hg19) VCF-style: chr19-16197288-C-T.
Other names: p.Gln144*; c.430C>T, p.Gln144Ter (NM_001145160.2); c.382C>T, p.Gln128Ter (NM_001367836.1); c.322C>T, p.Gln108Ter (NM_001367837.2); c.313C>T, p.Gln105Ter (NM_001367838.1); short protein forms Q108*, Q105*, Q128*, Q144*.
Identifiers: ClinVar variation 2577544 (VCV002577544.2), dbSNP rs2512689549, ClinGen allele CA404587530.

ClinVar aggregate classification (germline): Pathogenic. Review status: criteria provided, single submitter (1 of 4 stars). 2 submissions from 2 submitters: Pathogenic (1). 1 of the submissions does not count toward it. Last evaluated 2023-10-31.

Conditions:
Bleeding disorder, platelet-type, 25 (BDPLT25). Identifiers: MedGen C5882683, MONDO:0957580, OMIM 620486.

Submissions (2):

Mayo Clinic Laboratories, Mayo Clinic
Classification: Pathogenic. Last evaluated: 2023-10-31. Review status: criteria provided, single submitter. Criteria: ACMG Guidelines, 2015. Collection method: clinical testing. Allele origin: germline. Observed: 1 variant allele.
Comment: PP1_moderate, PM2_moderate, PS3, PS4_moderate, PVS1

OMIM
Classification: Pathogenic for BLEEDING DISORDER, PLATELET-TYPE, 25. Last evaluated: 2023-08-28. Review status: no assertion criteria provided. Collection method: literature only. Allele origin: germline. Not counted in ClinVar's aggregate classification.

Literature cited by the submitters: PubMed 35170221 (cited by Mayo Clinic Laboratories, Mayo Clinic and OMIM).